The following is an entry in ClinVar:

NM_015272.5(RPGRIP1L):c.2657C>T (p.Ser886Leu)

Gene: RPGRIP1L (RPGRIP1 like; minus strand). Cytogenetic location: 16q12.2.
Variant type: single nucleotide variant.
Coding change: c.2657C>T on transcript NM_015272.5 (MANE Select); coding-DNA position 2657, C replaced by T.
Protein change: p.Ser886Leu; replaces serine 886 with leucine.
Molecular consequence: missense variant.
Genome position (GRCh38, 1-based): chr16:53,645,651, G>A on the plus strand (C>T on the coding strand, the complement: RPGRIP1L is on the minus strand). VCF-style: chr16-53645651-G-A. GRCh37 (hg19) VCF-style: chr16-53679563-G-A.
Other names: p.Ser886Leu; c.2657C>T, p.Ser886Leu (NM_001127897.4, NM_001308334.3, NM_001330538.2); c.2657C>T (NM_015272.4); short protein forms S886L.
Identifiers: ClinVar variation 2086266 (VCV002086266.4), dbSNP rs762304207, ClinGen allele CA8057507.
Genomic context (GRCh38, chr16:53,645,651, plus strand): 5'-TTACAATTTTATAGATTCAAAAACATAGGCTTACCTGAGATACACCTGTCATGTGCCAAC[G>A]AAATCAGAGGCACATTGACTTTTCCTATGTAAATATTCTCCTGGGTATCACTATCATCAA-3'
Protein context (NP_056087.2, residues 876-896): YIGKVNVPLI[Ser886Leu]LAHDRCISGI

ClinVar aggregate classification (germline): Uncertain significance. Review status: criteria provided, multiple submitters, no conflicts (2 of 4 stars). 3 submissions from 3 submitters: Uncertain significance (3). Last evaluated 2025-12-17.

Conditions:
RPGRIP1L-related disorder. Also called: RPGRIP1L-related condition; RPGRIP1L-related disorders. Identifiers: MedGen CN239416.
Joubert syndrome. Also called: JOUBERT-BOLTSHAUSER SYNDROME; Familial aplasia of the vermis. Identifiers: Orphanet 475, MedGen C5979921, MONDO:0018772.
Meckel-Gruber syndrome. Also called: DYSENCEPHALIA SPLANCHNOCYSTICA; GRUBER SYNDROME; Dysencephalia splachnocystica. Identifiers: Orphanet 564, MedGen C0265215, MONDO:0018921.

Allele frequency attached by ClinVar (database versions not stated): gnomAD 0.00002; ExAC 0.00003; TOPMed 0.00003; gnomAD exomes 0.00004.
gnomAD v4.1: 67 of 1,613,602 alleles (0.0042%); highest among the groups gnomAD compares: Non-Finnish European, 0.0053%; no homozygotes.

Submissions (3):

PreventionGenetics, part of Exact Sciences
Classification: Uncertain significance for RPGRIP1L-related condition. Last evaluated: 2025-12-17. Review status: criteria provided, single submitter. Criteria: ACMG Guidelines, 2015. Collection method: clinical testing. Allele origin: germline.
Comment: The RPGRIP1L c.2657C>T variant is predicted to result in the amino acid substitution p.Ser886Leu. To our knowledge, this variant has not been reported in the literature. This variant is reported in 0.0080% of alleles in individuals of African descent in gnomAD. At this time, the clinical significance of this variant is uncertain due to the absence of conclusive functional and genetic evidence.

Mayo Clinic Laboratories, Mayo Clinic
Classification: Uncertain significance. Last evaluated: 2025-01-08. Review status: criteria provided, single submitter. Criteria: ACMG Guidelines, 2015. Collection method: clinical testing. Allele origin: germline. Observed: 1 variant allele.
Comment: PM2_supporting

Labcorp Genetics (formerly Invitae), Labcorp
Classification: Uncertain significance for Joubert syndrome; Meckel-Gruber syndrome. Last evaluated: 2021-10-14. Review status: criteria provided, single submitter. Criteria: Invitae Variant Classification Sherloc (09022015). Collection method: clinical testing. Allele origin: germline.
Comment: This sequence change replaces serine with leucine at codon 886 of the RPGRIP1L protein (p.Ser886Leu). The serine residue is highly conserved and there is a large physicochemical difference between serine and leucine. This variant is present in population databases (rs762304207, ExAC 0.005%). This variant has not been reported in the literature in individuals affected with RPGRIP1L-related conditions. Algorithms developed to predict the effect of missense changes on protein structure and function are either unavailable or do not agree on the potential impact of this missense change (SIFT: "Tolerated"; PolyPhen-2: "Probably Damaging"; Align-GVGD: "Class C15"). In summary, the available evidence is currently insufficient to determine the role of this variant in disease. Therefore, it has been classified as a Variant of Uncertain Significance.